The following is an entry in ClinVar:

NM_020207.7(ERCC6L2):c.1807C>A (p.Pro603Thr)

Gene: ERCC6L2 (ERCC excision repair 6 like 2; plus strand). Cytogenetic location: 9q22.32.
Variant type: single nucleotide variant.
Coding change: c.1807C>A on transcript NM_020207.7 (MANE Select); coding-DNA position 1807, C replaced by A.
Protein change: p.Pro603Thr; replaces proline 603 with threonine.
Molecular consequence: missense variant. On other transcripts: non-coding transcript variant (1).
Genome position (GRCh38, 1-based): chr9:95,941,509, C>A. VCF-style: chr9-95941509-C-A. GRCh37 (hg19) VCF-style: chr9-98703791-C-A.
Other names: c.1807C>A, p.Pro603Thr (NM_001010895.4, NM_001375291.1, NM_001375292.1 and 2 more transcripts); short protein forms P603T.
Identifiers: ClinVar variation 4844043 (VCV004844043.1).

ClinVar aggregate classification (germline): Uncertain significance (1 of 4 stars; one submission).

Conditions:
Inborn genetic diseases. Identifiers: MedGen C0950123, MeSH D030342.

gnomAD v4.1: 1 of 1,612,660 alleles (0.000062%); highest among the groups gnomAD compares: Non-Finnish European, 0.000085%; no homozygotes.

Submission:

Ambry Genetics
Classification: Uncertain significance for Inborn genetic diseases. Last evaluated: 2025-12-22. Review status: criteria provided, single submitter. Criteria: Ambry Variant Classification Scheme 2023. Collection method: clinical testing. Allele origin: germline.
Comment: The p.P603T variant (also known as c.1807C>A), located in coding exon 12 of the ERCC6L2 gene, results from a C to A substitution at nucleotide position 1807. The proline at codon 603 is replaced by threonine, an amino acid with highly similar properties. This amino acid position is conserved. In addition, this alteration is predicted to be deleterious by in silico analysis. Based on the available evidence, the clinical significance of this variant remains unclear.